The following is an entry in ClinVar:

ClinVar aggregate classification (germline): Pathogenic. Review status: criteria provided, multiple submitters, no conflicts (2 of 4 stars). 2 submissions from 2 submitters: Pathogenic (2). Last evaluated 2023-03-31.

Conditions:
Ataxia-telangiectasia syndrome (AT). Also called: Ataxia telangiectasia (A-T); LOUIS-BAR SYNDROME; Cerebello-oculocutaneous telangiectasia; Immunodeficiency with ataxia telangiectasia; Ataxia-telangiectasia, complementation group D; AT, COMPLEMENTATION GROUP C. Identifiers: Orphanet 100, MedGen C0004135, MONDO:0008840, OMIM 208900.
Hereditary cancer-predisposing syndrome. Also called: Hereditary neoplastic syndrome; Neoplastic Syndromes, Hereditary; Tumor predisposition; Hereditary Cancer Syndrome. Identifiers: Orphanet 140162, MedGen C0027672, MeSH D009386, MONDO:0015356.

Submissions (2):

Labcorp Genetics (formerly Invitae), Labcorp
Classification: Pathogenic for Ataxia-telangiectasia syndrome. Last evaluated: 2023-03-31. Review status: criteria provided, single submitter. Criteria: Invitae Variant Classification Sherloc (09022015). Collection method: clinical testing. Allele origin: germline.
Comment: For these reasons, this variant has been classified as Pathogenic. ClinVar contains an entry for this variant (Variation ID: 1759391). This variant has not been reported in the literature in individuals affected with ATM-related conditions. This variant is not present in population databases (gnomAD no frequency). This sequence change creates a premature translational stop signal (p.Pro2512Glnfs*20) in the ATM gene. It is expected to result in an absent or disrupted protein product. Loss-of-function variants in ATM are known to be pathogenic (PMID: 23807571, 25614872).

Ambry Genetics
Classification: Pathogenic for Hereditary cancer-predisposing syndrome. Last evaluated: 2021-12-03. Review status: criteria provided, single submitter. Criteria: Ambry Variant Classification Scheme 2023. Collection method: clinical testing. Allele origin: germline.
Comment: The c.7533delT pathogenic mutation, located in coding exon 50 of the ATM gene, results from a deletion of one nucleotide at nucleotide position 7533, causing a translational frameshift with a predicted alternate stop codon (p.P2512Qfs*20). This variant is considered to be rare based on population cohorts in the Genome Aggregation Database (gnomAD). This alteration is expected to result in loss of function by premature protein truncation or nonsense-mediated mRNA decay. As such, this alteration is interpreted as a disease-causing mutation.

Literature cited by the submitters: PubMed 23807571 (cited by Labcorp Genetics (formerly Invitae), Labcorp); PubMed 25614872 (cited by Labcorp Genetics (formerly Invitae), Labcorp).

NM_000051.4(ATM):c.7533del (p.Pro2512fs)

Genes: ATM (ATM serine/threonine kinase; plus strand), C11orf65 (chromosome 11 open reading frame 65; minus strand). Cytogenetic location: 11q22.3.
Variant type: Deletion.
Coding change: c.7533del on transcript NM_000051.4 (MANE Select); coding-DNA position 7533, one base deleted (T; older notation c.7533delT).
Protein change: p.Pro2512fs; shifts the reading frame from proline 2512.
Molecular consequence: frameshift variant. On other transcripts: non-coding transcript variant (1), intron variant (2).
Genome position (GRCh38, 1-based): chr11:108,331,461, T deleted; the last of 2 consecutive T bases (chr11:108,331,460-108,331,461); deleting either gives the same sequence. VCF-style (leftmost placement, unchanged base first): chr11-108331459-AT-A. GRCh37 (hg19) VCF-style: chr11-108202186-AT-A.
Other names: c.7533del, p.Pro2512fs (NM_001351834.2); c.641-22389del (NM_001330368.2); c.*38+3760del (NM_001351110.2); short protein forms P2512fs.
Identifiers: ClinVar variation 1759391 (VCV001759391.5), dbSNP rs2547273572, ClinGen allele CA2580083382.